The following is an entry in ClinVar:

ClinVar aggregate classification (germline): Pathogenic/Likely pathogenic. Review status: criteria provided, multiple submitters, no conflicts (2 of 4 stars). 3 submissions from 3 submitters: Pathogenic (1); Likely pathogenic (1). 1 of the submissions does not count toward it. Last evaluated 2025-02-04.

Conditions:
Spondyloepimetaphyseal dysplasia, Genevieve type. Also called: NANS DEFICIENCY; SEMD Genevieve type. Identifiers: Orphanet 168454, MedGen C1864872, MONDO:0012495, OMIM 610442.

Allele frequency attached by ClinVar (database versions not stated): gnomAD exomes 0.00002; ExAC 0.00003; gnomAD 0.00001.
gnomAD v4.1: 20 of 1,601,004 alleles (0.0012%); highest among the groups gnomAD compares: Admixed American, 0.0017%; no homozygotes.

Submissions (3):

Labcorp Genetics (formerly Invitae), Labcorp
Classification: Likely pathogenic. Last evaluated: 2025-02-04. Review status: criteria provided, single submitter. Criteria: Invitae Variant Classification Sherloc (09022015). Collection method: clinical testing. Allele origin: germline.
Comment: This sequence change affects a donor splice site in intron 3 of the NANS gene. It is expected to disrupt RNA splicing. Variants that disrupt the donor or acceptor splice site typically lead to a loss of protein function (PMID: 16199547), and loss-of-function variants in NANS are known to be pathogenic (PMID: 27213289). This variant is present in population databases (rs779218846, gnomAD 0.007%). Disruption of this splice site has been observed in individual(s) with Spondyloepimetaphyseal dysplasia (PMID: 27213289). ClinVar contains an entry for this variant (Variation ID: 235186). Algorithms developed to predict the effect of sequence changes on RNA splicing suggest that this variant may disrupt the consensus splice site. In summary, the currently available evidence indicates that the variant is pathogenic, but additional data are needed to prove that conclusively. Therefore, this variant has been classified as Likely Pathogenic.

Institute of Human Genetics Munich, TUM University Hospital
Classification: Pathogenic for Spondyloepimetaphyseal dysplasia, Genevieve type. Last evaluated: 2020-01-20. Review status: criteria provided, single submitter. Criteria: Classification criteria August 2017. Collection method: clinical testing. Allele origin: maternal. Inheritance: Autosomal recessive inheritance. Affected: yes. Observed: 1 heterozygote.

OMIM
Classification: Pathogenic for SPONDYLOEPIMETAPHYSEAL DYSPLASIA, GENEVIEVE TYPE. Last evaluated: 2017-06-20. Review status: no assertion criteria provided. Collection method: literature only. Allele origin: germline. Not counted in ClinVar's aggregate classification.

Literature cited by the submitters: PubMed 16199547 (cited by Labcorp Genetics (formerly Invitae), Labcorp); PubMed 27213289 (cited by Labcorp Genetics (formerly Invitae), Labcorp and OMIM).

NM_018946.4(NANS):c.448+1G>A

Genes: NANS (N-acetylneuraminate synthase; plus strand), TRIM14 (tripartite motif containing 14; minus strand). Cytogenetic location: 9q22.33.
Variant type: single nucleotide variant.
Coding change: c.448+1G>A on transcript NM_018946.4 (MANE Select); the canonical splice donor site of the intron after coding-DNA position 448, G replaced by A.
Molecular consequence: splice donor variant.
Genome position (GRCh38, 1-based): chr9:98,077,018, G>A. VCF-style: chr9-98077018-G-A. GRCh37 (hg19) VCF-style: chr9-100839300-G-A.
Other names: IVS3DS, G-A, +1.
Identifiers: ClinVar variation 235186 (VCV000235186.6), dbSNP rs779218846, ClinGen allele CA5150275.